The following is an entry in ClinVar:

ClinVar aggregate classification (germline): Uncertain significance (1 of 4 stars; one submission).

gnomAD v4.1: 278 of 1,554,624 alleles (0.018%); highest among the groups gnomAD compares: South Asian, 0.32%; 2 homozygotes.

Submission:

Ambry Genetics
Classification: Uncertain significance. Last evaluated: 2024-11-25. Review status: criteria provided, single submitter. Criteria: Ambry Variant Classification Scheme 2023. Collection method: clinical testing. Allele origin: germline.
Comment: The p.A581V variant (also known as c.1742C>T), located in coding exon 7 of the WNK2 gene, results from a C to T substitution at nucleotide position 1742. The alanine at codon 581 is replaced by valine, an amino acid with similar properties. This amino acid position is conserved. In addition, this alteration is predicted to be tolerated by in silico analysis. Based on the available evidence, the clinical significance of this variant remains unclear.

NM_006648.4(WNK2):c.1742C>T (p.Ala581Val)

Gene: WNK2 (WNK lysine deficient protein kinase 2; plus strand). Cytogenetic location: 9q22.31.
Variant type: single nucleotide variant.
Coding change: c.1742C>T on transcript NM_006648.4 (MANE Select); coding-DNA position 1742, C replaced by T.
Protein change: p.Ala581Val; replaces alanine 581 with valine.
Molecular consequence: missense variant.
Genome position (GRCh38, 1-based): chr9:93,247,742, C>T. VCF-style: chr9-93247742-C-T. GRCh37 (hg19) VCF-style: chr9-96010024-C-T.
Other names: c.1742C>T, p.Ala581Val (NM_001282394.3); short protein forms A581V.
Identifiers: ClinVar variation 3470408 (VCV003470408.1).